The following is an entry in ClinVar:

ClinVar aggregate classification (germline): Pathogenic/Likely pathogenic. Review status: criteria provided, multiple submitters, no conflicts (2 of 4 stars). 5 submissions from 5 submitters: Pathogenic (3); Likely pathogenic (1). 1 of the submissions does not count toward it. Last evaluated 2025-11-03.

Conditions:
Neurodevelopmental-craniofacial syndrome with variable renal and cardiac abnormalities. Identifiers: MedGen C5561984, MONDO:0859190, OMIM 619522.
Inborn genetic diseases. Identifiers: MedGen C0950123, MeSH D030342.
Congenital anomaly of kidney and urinary tract. Also called: Congenital anomalies of the kidney and urinary tract; Congenital anomalies of kidney and urinary tract. Identifiers: Orphanet 93545, MedGen C1968949, MeSH C566906, MONDO:0019719.

gnomAD v4.1: 2 of 1,613,248 alleles (0.00012%); highest among the groups gnomAD compares: Non-Finnish European, 0.00017%; no homozygotes.

Submissions (5):

GeneDx
Classification: Pathogenic. Last evaluated: 2025-11-03. Review status: criteria provided, single submitter. Criteria: GeneDx Variant Classification Process June 2021. Collection method: clinical testing. Allele origin: germline.
Comment: Nonsense variant predicted to result in protein truncation or nonsense mediated decay in a gene for which loss of function is a known mechanism of disease; Not observed at significant frequency in large population cohorts (gnomAD); This variant is associated with the following publications: (PMID: 32891193, 34183866, 36672771)

Ambry Genetics
Classification: Pathogenic for Inborn genetic diseases. Last evaluated: 2025-08-07. Review status: criteria provided, single submitter. Criteria: Ambry Variant Classification Scheme 2023. Collection method: clinical testing. Allele origin: germline.
Comment: The c.2338C>T (p.R780*) alteration, located in exon 14 (coding exon 11) of the ZMYM2 gene, consists of a C to T substitution at nucleotide position 2338. This changes the amino acid from an arginine (R) to a stop codon at amino acid position 780. This alteration is expected to result in loss of function by premature protein truncation or nonsense-mediated mRNA decay. This variant was not reported in population-based cohorts in the Genome Aggregation Database (gnomAD). This variant was determined to be de novo in individuals with features consistent with ZMYM2-related neurodevelopmental disorder (Connaughton, 2020; Ambry internal data). Based on the available evidence, this alteration is classified as pathogenic.

Institute for Clinical Genetics, University Hospital TU Dresden, University Hospital TU Dresden
Classification: Pathogenic. Last evaluated: 2022-04-29. Review status: criteria provided, single submitter. Criteria: ACMG Guidelines, 2015. Collection method: clinical testing. Allele origin: germline.

Institute of Human Genetics, University of Leipzig Medical Center
Classification: Likely pathogenic for Neurodevelopmental-craniofacial syndrome with variable renal and cardiac abnormalities. Last evaluated: 2020-10-01. Review status: criteria provided, single submitter. Criteria: ACMG Guidelines, 2015. Collection method: clinical testing. Allele origin: de novo. Affected: yes.

Yale Center for Mendelian Genomics, Yale University
Classification: Likely pathogenic for Congenital anomaly of kidney and urinary tract. Last evaluated: 2020-09-04. Review status: no assertion criteria provided. Collection method: literature only. Allele origin: de novo. Affected: yes. Observed: 1 heterozygote. Study: Yale Center for Mendelian Genomics. Not counted in ClinVar's aggregate classification.

Literature cited by the submitters: PubMed 32891193 (cited by 3 submitters).

NM_197968.4(ZMYM2):c.2338C>T (p.Arg780Ter)

Gene: ZMYM2 (zinc finger MYM-type containing 2; plus strand). Cytogenetic location: 13q12.11.
Variant type: single nucleotide variant.
Coding change: c.2338C>T on transcript NM_197968.4 (MANE Select); coding-DNA position 2338, C replaced by T.
Protein change: p.Arg780Ter; replaces arginine 780 with a stop codon.
Molecular consequence: nonsense. On other transcripts: non-coding transcript variant (1).
Genome position (GRCh38, 1-based): chr13:20,051,478, C>T. VCF-style: chr13-20051478-C-T. GRCh37 (hg19) VCF-style: chr13-20625618-C-T.
Other names: c.2338C>T (NM_003453.3, NM_003453.4); c.2338C>T, p.Arg780Ter (NM_001353164.2, NM_001353165.2, NM_003453.6 and 5 more transcripts); c.2143C>T, p.Arg715Ter (NM_001353161.3); c.2077C>T, p.Arg693Ter (NM_001353163.2); short protein forms R693*, R715*, R780*.
Identifiers: ClinVar variation 1325743 (VCV001325743.11), dbSNP rs757669327, ClinGen allele CA387460273.